The following is an entry in ClinVar:

NM_000180.4(GUCY2D):c.320C>T (p.Thr107Met)

Gene: GUCY2D (guanylate cyclase 2D, retinal; plus strand). Cytogenetic location: 17p13.1.
Variant type: single nucleotide variant.
Coding change: c.320C>T on transcript NM_000180.4 (MANE Select); coding-DNA position 320, C replaced by T.
Protein change: p.Thr107Met; replaces threonine 107 with methionine.
Molecular consequence: missense variant.
Genome position (GRCh38, 1-based): chr17:8,003,367, C>T. VCF-style: chr17-8003367-C-T. GRCh37 (hg19) VCF-style: chr17-7906685-C-T.
Other names: short protein forms T107M.
Identifiers: ClinVar variation 3373344 (VCV003373344.1).
Genomic context (GRCh38, chr17:8,003,367, plus strand): 5'-ACCCCGGCCTGGCAGGCGGTCCCCGCTTCGAGGTAGCGCTGCTGCCCGAGCCTTGCCGGA[C>T]GCCGGGCTCGCTGGGGGCCGTGTCCTCCGCGCTGGCCCGCGTGTCGGGCCTCGTGGGTCC-3'
Protein context (NP_000171.1, residues 97-117): EVALLPEPCR[Thr107Met]PGSLGAVSSA

ClinVar aggregate classification (germline): Uncertain significance (1 of 4 stars; one submission).

gnomAD v4.1: 1 of 1,465,768 alleles (0.000068%); highest among the groups gnomAD compares: South Asian, 0.0013%; no homozygotes.

Submission:

GeneDx
Classification: Uncertain significance. Last evaluated: 2024-05-02. Review status: criteria provided, single submitter. Criteria: GeneDx Variant Classification Process June 2021. Collection method: clinical testing. Allele origin: germline. Affected: yes.
Comment: Not observed at significant frequency in large population cohorts (gnomAD); In silico analysis supports that this missense variant has a deleterious effect on protein structure/function; Has not been previously published as pathogenic or benign to our knowledge